The following is an entry in ClinVar:

ClinVar aggregate classification (germline): Uncertain significance. Review status: criteria provided, multiple submitters, no conflicts (2 of 4 stars). 3 submissions from 3 submitters: Uncertain significance (2). 1 of the submissions does not count toward it. Last evaluated 2025-09-08.

Conditions:
Type 2 diabetes mellitus. Also called: Type II diabetes mellitus. Identifiers: MedGen C0011860, MeSH D003924, MONDO:0005148, OMIM 125853, HP:0005978.
Renal cysts and diabetes syndrome (RCAD). Also called: Familial hypoplastic, glomerulocystic kidney; MATURITY-ONSET DIABETES OF THE YOUNG, TYPE 5. Identifiers: Orphanet 93111, MedGen C0431693, MONDO:0007669, OMIM 137920.
Nonpapillary renal cell carcinoma. Identifiers: Orphanet 422526, MedGen CN074294, MONDO:0007763, OMIM 144700.
HNF1B-related disorder. Also called: HNF1B-related condition; HNF1B-related disorders.

Allele frequency attached by ClinVar (database versions not stated): gnomAD exomes below 0.00001; ExAC 0.00001; TOPMed 0.00001; gnomAD 0.00003.
gnomAD v4.1: 5 of 1,612,426 alleles (0.00031%); highest among the groups gnomAD compares: African/African-American, 0.004%; no homozygotes.

Submissions (3):

Labcorp Genetics (formerly Invitae), Labcorp
Classification: Uncertain significance. Last evaluated: 2025-09-08. Review status: criteria provided, single submitter. Criteria: Invitae Variant Classification Sherloc (09022015). Collection method: clinical testing. Allele origin: germline.
Comment: This sequence change replaces asparagine, which is neutral and polar, with aspartic acid, which is acidic and polar, at codon 345 of the HNF1B protein (p.Asn345Asp). The frequency data for this variant in the population databases is considered unreliable, as metrics indicate poor data quality at this position in the gnomAD database. This missense change has been observed in individual(s) with clinical features of HNF1B-related conditions (PMID: 36613572). ClinVar contains an entry for this variant (Variation ID: 3030521). Invitae Evidence Modeling of protein sequence and biophysical properties (such as structural, functional, and spatial information, amino acid conservation, physicochemical variation, residue mobility, and thermodynamic stability) indicates that this missense variant is not expected to disrupt HNF1B protein function with a negative predictive value of 80%. In summary, the available evidence is currently insufficient to determine the role of this variant in disease. Therefore, it has been classified as a Variant of Uncertain Significance.

Fulgent Genetics
Classification: Uncertain significance for Type 2 diabetes mellitus; Renal cysts and diabetes syndrome; Nonpapillary renal cell carcinoma. Last evaluated: 2024-06-21. Review status: criteria provided, single submitter. Criteria: ACMG Guidelines, 2015. Collection method: clinical testing. Allele origin: germline.

PreventionGenetics, part of Exact Sciences
Classification: Uncertain significance for HNF1B-related condition. Last evaluated: 2024-02-28. Review status: no assertion criteria provided. Collection method: clinical testing. Allele origin: germline. Not counted in ClinVar's aggregate classification.
Comment: The HNF1B c.1033A>G variant is predicted to result in the amino acid substitution p.Asn345Asp. This variant has been reported in an individual within a maturity-onset diabetes of the young cohort (Table 4, Elashi et al. 2022. PubMed ID: 36613572). This variant is reported in 0.0032% of alleles in individuals of European (Non-Finnish) descent in gnomAD. At this time, the clinical significance of this variant is uncertain due to the absence of conclusive functional and genetic evidence.

Literature cited by the submitters: PubMed 36613572 (cited by Labcorp Genetics (formerly Invitae), Labcorp).

NM_000458.4(HNF1B):c.1033A>G (p.Asn345Asp)

Gene: HNF1B (HNF1 homeobox B; minus strand). Cytogenetic location: 17q12.
Variant type: single nucleotide variant.
Coding change: c.1033A>G on transcript NM_000458.4 (MANE Select); coding-DNA position 1033, A replaced by G.
Protein change: p.Asn345Asp; replaces asparagine 345 with aspartic acid.
Molecular consequence: missense variant.
Genome position (GRCh38, 1-based): chr17:37,731,607, T>C on the plus strand (A>G on the coding strand, the complement: HNF1B is on the minus strand). VCF-style: chr17-37731607-T-C. GRCh37 (hg19) VCF-style: chr17-36091598-T-C.
Other names: c.955A>G, p.Asn319Asp (NM_001165923.4, NM_001304286.2); c.1033A>G, p.Asn345Asp (NM_001411100.1); short protein forms N319D, N345D.
Identifiers: ClinVar variation 3030521 (VCV003030521.4), dbSNP rs755951130, ClinGen allele CA8518946.